The following is an entry in ClinVar:

NM_000553.6(WRN):c.3098G>A (p.Arg1033Gln)

Gene: WRN (WRN RecQ like helicase; plus strand). Cytogenetic location: 8p12.
Variant type: single nucleotide variant.
Coding change: c.3098G>A on transcript NM_000553.6 (MANE Select); coding-DNA position 3098, G replaced by A.
Protein change: p.Arg1033Gln; replaces arginine 1033 with glutamine.
Molecular consequence: missense variant.
Genome position (GRCh38, 1-based): chr8:31,141,560, G>A. VCF-style: chr8-31141560-G-A. GRCh37 (hg19) VCF-style: chr8-30999076-G-A.
Other names: short protein forms R1033Q.
Identifiers: ClinVar variation 645787 (VCV000645787.7), dbSNP rs367789256, ClinGen allele CA4704932.

ClinVar aggregate classification (germline): Uncertain significance (1 of 4 stars; one submission).

Conditions:
Werner syndrome (WRN). Identifiers: Orphanet 902, MedGen C0043119, MONDO:0010196, OMIM 277700.

Allele frequency attached by ClinVar (database versions not stated): ExAC 0.00002; TOPMed 0.00002; gnomAD 0.00001; gnomAD exomes 0.00003; ESP Exome Variant Server 0.00015.
gnomAD v4.1: 14 of 1,613,944 alleles (0.00087%); highest among the groups gnomAD compares: East Asian, 0.0089%; no homozygotes.

Submission:

Labcorp Genetics (formerly Invitae), Labcorp
Classification: Uncertain significance for Werner syndrome. Last evaluated: 2024-02-19. Review status: criteria provided, single submitter. Criteria: Invitae Variant Classification Sherloc (09022015). Collection method: clinical testing. Allele origin: germline.
Comment: This sequence change replaces arginine, which is basic and polar, with glutamine, which is neutral and polar, at codon 1033 of the WRN protein (p.Arg1033Gln). This variant is present in population databases (rs367789256, gnomAD 0.02%). This variant has not been reported in the literature in individuals affected with WRN-related conditions. ClinVar contains an entry for this variant (Variation ID: 645787). An algorithm developed to predict the effect of missense changes on protein structure and function (PolyPhen-2) suggests that this variant is likely to be tolerated. In summary, the available evidence is currently insufficient to determine the role of this variant in disease. Therefore, it has been classified as a Variant of Uncertain Significance.